The following is an entry in ClinVar:

ClinVar aggregate classification (germline): Uncertain significance. Review status: criteria provided, multiple submitters, no conflicts (2 of 4 stars). 4 submissions from 4 submitters: Uncertain significance (4). Last evaluated 2025-11-25.

Conditions:
SHORT syndrome. Also called: SHORT STATURE, HYPEREXTENSIBILITY, HERNIA, OCULAR DEPRESSION, RIEGER ANOMALY, AND TEETHING DELAY; LIPODYSTROPHY, PARTIAL, WITH RIEGER ANOMALY AND SHORT STATURE; PIK3R1-Related SHORT Syndrome. Identifiers: Orphanet 3163, MedGen C0878684, MONDO:0010026, OMIM 269880.
Immunodeficiency 36 with lymphoproliferation. Also called: Activated PI3K Delta Syndrome Type 2 (APDS2); Immunodeficiency 36; ACTIVATED PI3K-DELTA SYNDROME 2. Identifiers: Orphanet 397596, Orphanet 693681, MedGen C4014934, MONDO:0014453, OMIM 616005.
Agammaglobulinemia 7, autosomal recessive (AGM7). Also called: AGAMMAGLOBULINEMIA, AUTOSOMAL RECESSIVE, DUE TO PIK3R1 DEFECT. Identifiers: MedGen C3554689, MONDO:0014083, OMIM 615214.
PIK3R1-related disorder. Also called: PIK3R1-related condition.

Allele frequency attached by ClinVar (database versions not stated): gnomAD exomes 0.00002; TOPMed 0.00002; ExAC 0.00003; gnomAD 0.00003.
gnomAD v4.1: 40 of 1,612,414 alleles (0.0025%); highest among the groups gnomAD compares: African/African-American, 0.012%; no homozygotes.

Submissions (4):

Labcorp Genetics (formerly Invitae), Labcorp
Classification: Uncertain significance for SHORT syndrome; Immunodeficiency 36 with lymphoproliferation; Agammaglobulinemia 7, autosomal recessive. Last evaluated: 2025-11-25. Review status: criteria provided, single submitter. Criteria: Invitae Variant Classification Sherloc (09022015). Collection method: clinical testing. Allele origin: germline.
Comment: This sequence change replaces valine, which is neutral and non-polar, with methionine, which is neutral and non-polar, at codon 172 of the PIK3R1 protein (p.Val172Met). This variant is present in population databases (rs112487959, gnomAD 0.01%). This variant has not been reported in the literature in individuals affected with PIK3R1-related conditions. ClinVar contains an entry for this variant (Variation ID: 835242). An algorithm developed to predict the effect of missense changes on protein structure and function outputs the following: PolyPhen-2: "Benign". The methionine amino acid residue is found in multiple mammalian species, which suggests that this missense change does not adversely affect protein function. In summary, the available evidence is currently insufficient to determine the role of this variant in disease. Therefore, it has been classified as a Variant of Uncertain Significance.

PreventionGenetics, part of Exact Sciences
Classification: Uncertain significance for PIK3R1-related condition. Last evaluated: 2024-11-06. Review status: criteria provided, single submitter. Criteria: ACMG Guidelines, 2015. Collection method: clinical testing. Allele origin: germline.
Comment: The PIK3R1 c.514G>A variant is predicted to result in the amino acid substitution p.Val172Met. To our knowledge, this variant has not been reported in the literature. This variant is reported in 0.012% of alleles in individuals of African descent in gnomAD, which may be too common to be causative. Although we suspect that this variant may be benign, at this time, the clinical significance of this variant is uncertain due to the absence of conclusive functional and genetic evidence.

Blueprint Genetics
Classification: Uncertain significance. Last evaluated: 2024-09-30. Review status: criteria provided, single submitter. Criteria: ACMG Guidelines, 2015. Collection method: clinical testing. Allele origin: germline.

Neuberg Centre For Genomic Medicine, NCGM
Classification: Uncertain significance for Immunodeficiency 36 with lymphoproliferation. Last evaluated: 2023-06-22. Review status: criteria provided, single submitter. Criteria: ACMG Guidelines, 2015. Collection method: clinical testing. Allele origin: germline. Inheritance: Autosomal dominant inheritance. Affected: yes.
Comment: The observed missense variant c.514G>A(p.Val172Met) in PIK3R1 gene has not been reported previously as a pathogenic variant nor as a benign variant, to our knowledge. This variant has 0.002% allele frequency in gnomAD Exomes. It has been submitted to ClinVar as Uncertain Significance. However, no details are available for independent assessment. The amino acid Val at position 172 is changed to a Met changing protein sequence and it might alter its composition and physico-chemical properties. Computational evidence (Polyphen-possibly damaging, SIFT-Tolerated and MutationTaster-Polymorphic) predicts conflicting evidence on protein structure and function for this variant. For these reasons, this variant has been classified as Uncertain Significance.

NM_181523.3(PIK3R1):c.514G>A (p.Val172Met)

Gene: PIK3R1 (phosphoinositide-3-kinase regulatory subunit 1; plus strand). Cytogenetic location: 5q13.1.
Variant type: single nucleotide variant.
Coding change: c.514G>A on transcript NM_181523.3 (MANE Select); coding-DNA position 514, G replaced by A.
Protein change: p.Val172Met; replaces valine 172 with methionine.
Molecular consequence: missense variant.
Genome position (GRCh38, 1-based): chr5:68,279,613, G>A. VCF-style: chr5-68279613-G-A. GRCh37 (hg19) VCF-style: chr5-67575441-G-A.
Other names: short protein forms V172M.
Identifiers: ClinVar variation 835242 (VCV000835242.11), dbSNP rs112487959, ClinGen allele CA3290063.
Genomic context (GRCh38, chr5:68,279,613, plus strand): 5'-TGTATTCTATAAAATAAATGTCTGAAATATTTCTTAAATTGTTTCCTAGATACACCCTCC[G>A]TGGACTTGGAAATGATCGATGTGCACGTTTTGGCTGACGCTTTCAAACGCTATCTCCTGG-3'
Protein context (NP_852664.1, residues 162-182): RQLLDCDTPS[Val172Met]DLEMIDVHVL